The following is an entry in ClinVar:

ClinVar aggregate classification (germline): Pathogenic/Likely pathogenic. Review status: criteria provided, multiple submitters, no conflicts (2 of 4 stars). 9 submissions from 9 submitters: Pathogenic (4); Likely pathogenic (3). 2 of the submissions do not count toward it. Last evaluated 2025-07-27.

Conditions:
Hereditary cancer-predisposing syndrome. Also called: Tumor predisposition; Neoplastic Syndromes, Hereditary; Hereditary neoplastic syndrome; Hereditary Cancer Syndrome. Identifiers: Orphanet 140162, MedGen C0027672, MeSH D009386, MONDO:0015356.
Von Hippel-Lindau syndrome (VHLS). Also called: Von Hippel-Lindau; VHL syndrome; von Hippel–Lindau syndrome. Identifiers: Orphanet 892, MedGen C0019562, MONDO:0008667, OMIM 193300. Disease mechanism: loss of function.
Nonpapillary renal cell carcinoma. Identifiers: Orphanet 422526, MedGen CN074294, MONDO:0007763, OMIM 144700.
Pheochromocytoma. Also called: MAX-Related Hereditary Paraganglioma-Pheochromocytoma Syndrome. Identifiers: Orphanet 29072, MedGen C0031511, MONDO:0008233, OMIM 171300, HP:0002666.
Chuvash polycythemia. Also called: POLYCYTHEMIA, VHL-DEPENDENT. Identifiers: Orphanet 238557, MedGen C1837915, MONDO:0009892, OMIM 263400.

Allele frequency attached by ClinVar (database versions not stated): gnomAD exomes below 0.00001; ExAC 0.00001.
gnomAD v4.1: 1 of 1,606,316 alleles (0.000062%); highest among the groups gnomAD compares: South Asian, 0.0011%; no homozygotes.

Submissions (9):

Labcorp Genetics (formerly Invitae), Labcorp
Classification: Pathogenic for Von Hippel-Lindau syndrome; Chuvash polycythemia. Last evaluated: 2025-07-27. Review status: criteria provided, single submitter. Criteria: Invitae Variant Classification Sherloc (09022015). Collection method: clinical testing. Allele origin: germline.
Comment: This sequence change replaces glutamic acid, which is acidic and polar, with lysine, which is basic and polar, at codon 70 of the VHL protein (p.Glu70Lys). The frequency data for this variant in the population databases is considered unreliable, as metrics indicate poor data quality at this position in the gnomAD database. This missense change has been observed in individuals with clinical features of von Hippel-Lindau syndrome (VHL) (PMID: 9829912, 17661816, 19270817, 19408298, 25078357, 25562111, 25715769, 27439424; internal data). It is commonly reported in individuals of Korean ancestry (PMID: 25078357). ClinVar contains an entry for this variant (Variation ID: 43598). Invitae Evidence Modeling of protein sequence and biophysical properties (such as structural, functional, and spatial information, amino acid conservation, physicochemical variation, residue mobility, and thermodynamic stability) indicates that this missense variant is expected to disrupt VHL protein function with a positive predictive value of 95%. Experimental studies are conflicting or provide insufficient evidence to determine the effect of this variant on VHL function (PMID: 15611064). For these reasons, this variant has been classified as Pathogenic.

Ambry Genetics
Classification: Pathogenic for Hereditary cancer-predisposing syndrome. Last evaluated: 2025-03-20. Review status: criteria provided, single submitter. Criteria: Ambry Variant Classification Scheme 2023. Collection method: clinical testing. Allele origin: germline.
Comment: The p.E70K pathogenic mutation (also known as c.208G>A), located in coding exon 1 of the VHL gene, results from a G to A substitution at nucleotide position 208. The glutamic acid at codon 70 is replaced by lysine, an amino acid with similar properties. This variant has been identified in many unrelated Korean families with histories of central nervous system and retinal hemangioblastomas (Olschwang S et al. Hum Mutat, 1998;12:424-30; Hes FJ et al. Clin Genet, 2007 Aug;72:122-9; Cho HJ et al. J Korean Med Sci. 2009 Feb;24(1):77-83; Hwang S et al. J Hum Genet, 2014 Sep;59:488-93; Lee JS et al. BMC Med Genet, 2016 Jul;17:48). In addition, this mutation has been reported in an individual with a pancreatic neuroendocrine tumor (Park TY et al. Scand J Gastroenterol, 2015 Mar;50:360-7) and in an individual with a paraganglioma (Kim JH et al. J Med Genet, 2022 Jan;59:56-64). This amino acid position is well conserved in available vertebrate species. In addition, this alteration is predicted to be deleterious by in silico analysis. Based on the supporting evidence, this variant is interpreted as a disease-causing mutation.

Myriad Genetics, Inc.
Classification: Likely pathogenic for Von Hippel-Lindau syndrome. Last evaluated: 2023-11-01. Review status: criteria provided, single submitter. Criteria: Myriad Autosomal Dominant, Autosomal Recessive and X-Linked Classification Criteria (2023). Collection method: clinical testing. Allele origin: unknown.
Comment: This variant is considered likely pathogenic. Functional studies indicate this variant impacts protein function [PMID: 15611064]. This variant has been reported in multiple individuals with clinical features of gene-specific disease [PMID: 25078357, 27439424, 36384467, 31087189].

Women's Health and Genetics/Laboratory Corporation of America, LabCorp
Classification: Pathogenic for Von Hippel-Lindau syndrome. Last evaluated: 2023-04-10. Review status: criteria provided, single submitter. Criteria: LabCorp Variant Classification Summary - May 2015. Collection method: clinical testing. Allele origin: germline.
Comment: Variant summary: VHL c.208G>A (p.Glu70Lys) results in a conservative amino acid change located in the von Hippel-Lindau disease tumour suppressor, beta/alpha domain (IPR022772) of the encoded protein sequence. Four of five in-silico tools predict a benign effect of the variant on protein function. The variant allele was found at a frequency of 4.4e-06 in 229204 control chromosomes (gnomAD). c.208G>A has been reported in the literature in multiple individuals affected with Von Hippel-Lindau Syndrome (examples: Hes_2007 and Hwang_2014). These data indicate that the variant is very likely to be associated with disease. Four clinical diagnostic laboratories have submitted clinical-significance assessments for this variant to ClinVar after 2014 and all classified the variant as pathogenic/likely pathogenic. Based on the evidence outlined above, the variant was classified as pathogenic.

Department of Pathology and Laboratory Medicine, Sinai Health System
Classification: Likely pathogenic for Nonpapillary renal cell carcinoma; Pheochromocytoma; Von Hippel-Lindau syndrome; Chuvash polycythemia. Last evaluated: 2022-09-28. Review status: criteria provided, single submitter. Criteria: ACMG Guidelines, 2015. Collection method: clinical testing. Allele origin: germline.

Center for Human Genetics, Inc
Classification: Pathogenic for Von Hippel-Lindau syndrome. Last evaluated: 2016-11-01. Review status: criteria provided, single submitter. Criteria: ACMG Guidelines, 2015. Collection method: clinical testing. Allele origin: germline. Affected: yes.

CIViC Knowledgebase, Washington University School of Medicine
Classification: Likely pathogenic for von Hippel-Lindau disease. Review status: criteria provided, single submitter. Criteria: Danos AM et al. (Genome Med 2019). Collection method: curation. Allele origin: germline.
Comment: VHL E70K (c.208G>A) is Likely Pathogenic. E70K missense variant occurs at a very low allele frequency in the general population (0.00001489 allele frequency in ExAC, 4.365e-6 allele frequency in gnomAD) and was previously identified in several unrelated individuals with VHL disease symptoms (see evidence statements). PM1 (6860); PM2 (per above); PP1 (5805); PP4 (5805;6742).

AID14

Genomic Diagnostic Laboratory, Division of Genomic Diagnostics, Children's Hospital of Philadelphia
Classification: Pathogenic for Von Hippel-Lindau syndrome. Last evaluated: 2016-02-26. Review status: no assertion criteria provided. Collection method: clinical testing. Allele origin: germline. Affected: yes. Observed: 2 variant alleles. Not counted in ClinVar's aggregate classification.

Laboratory for Molecular Medicine, Mass General Brigham Personalized Medicine
Classification: Pathogenic for Von Hippel-Lindau syndrome. Last evaluated: 2007-04-11. Review status: no assertion criteria provided. Collection method: clinical testing. Allele origin: germline. Observed: 2 variant alleles. Not counted in ClinVar's aggregate classification.

Literature cited by the submitters: PubMed 9829912 (cited by 4 submitters); PubMed 17661816 (cited by 4 submitters); PubMed 19270817 (cited by Labcorp Genetics (formerly Invitae), Labcorp and Ambry Genetics); PubMed 19408298 (cited by Labcorp Genetics (formerly Invitae), Labcorp); PubMed 25078357 (cited by 6 submitters); PubMed 25562111 (cited by 3 submitters); PubMed 25715769 (cited by 4 submitters); PubMed 27439424 (cited by 5 submitters); PubMed 15611064 (cited by 4 submitters); PubMed 33219105 (cited by Ambry Genetics); PubMed 36384467 (cited by Myriad Genetics, Inc.); PubMed 31087189 (cited by Myriad Genetics, Inc.); PubMed 24132471 (cited by CIViC Knowledgebase, Washington University School of Medicine).

NM_000551.4(VHL):c.208G>A (p.Glu70Lys)

Gene: VHL (von Hippel-Lindau tumor suppressor; plus strand). Cytogenetic location: 3p25.3.
Variant type: single nucleotide variant.
Coding change: c.208G>A on transcript NM_000551.4 (MANE Select); coding-DNA position 208, G replaced by A.
Protein change: p.Glu70Lys; replaces glutamic acid 70 with lysine.
Molecular consequence: missense variant.
Genome position (GRCh38, 1-based): chr3:10,142,055, G>A. VCF-style: chr3-10142055-G-A. GRCh37 (hg19) VCF-style: chr3-10183739-G-A.
Other names: c.208G>A, p.Glu70Lys (NM_001354723.2, NM_198156.3); short protein forms E70K.
Identifiers: ClinVar variation 43598 (VCV000043598.23), dbSNP rs5030802, ClinGen allele CA020108.